The following is an entry in ClinVar:

ClinVar aggregate classification (germline): Uncertain significance. Review status: criteria provided, multiple submitters, no conflicts (2 of 4 stars). 2 submissions from 2 submitters: Uncertain significance (2). Last evaluated 2025-09-16.

Conditions:
Multiple endocrine neoplasia, type 1 (MEN1). Also called: MEN I; WERMER SYNDROME; Endocrine adenomatosis multiple; MEN 1; MEA I. Identifiers: Orphanet 652, MedGen C0025267, MeSH D018761, MONDO:0007540, OMIM 131100.
Hereditary cancer-predisposing syndrome. Also called: Tumor predisposition; Hereditary Cancer Syndrome; Neoplastic Syndromes, Hereditary; Hereditary neoplastic syndrome. Identifiers: Orphanet 140162, MedGen C0027672, MeSH D009386, MONDO:0015356.

Submissions (2):

Ambry Genetics
Classification: Uncertain significance for Hereditary cancer-predisposing syndrome. Last evaluated: 2025-09-16. Review status: criteria provided, single submitter. Criteria: Ambry Variant Classification Scheme 2023. Collection method: clinical testing. Allele origin: germline.
Comment: The p.L610F variant (also known as c.1828C>T), located in coding exon 9 of the MEN1 gene, results from a C to T substitution at nucleotide position 1828. The leucine at codon 610 is replaced by phenylalanine, an amino acid with highly similar properties. This amino acid position is well conserved in available vertebrate species. In addition, this alteration is predicted to be tolerated by in silico analysis. Since supporting evidence is limited at this time, the clinical significance of this alteration remains unclear.

Labcorp Genetics (formerly Invitae), Labcorp
Classification: Uncertain significance for Multiple endocrine neoplasia, type 1. Last evaluated: 2021-01-31. Review status: criteria provided, single submitter. Criteria: Invitae Variant Classification Sherloc (09022015). Collection method: clinical testing. Allele origin: germline.
Comment: Advanced modeling of protein sequence and biophysical properties (such as structural, functional, and spatial information, amino acid conservation, physicochemical variation, residue mobility, and thermodynamic stability) performed at Invitae indicates that this missense variant is expected to disrupt MEN1 protein function. This variant has not been reported in the literature in individuals with MEN1-related conditions. This variant is not present in population databases (ExAC no frequency). In summary, the available evidence is currently insufficient to determine the role of this variant in disease. Therefore, it has been classified as a Variant of Uncertain Significance. This sequence change replaces leucine with phenylalanine at codon 610 of the MEN1 protein (p.Leu610Phe). The leucine residue is moderately conserved and there is a small physicochemical difference between leucine and phenylalanine.

NM_001370259.2(MEN1):c.1828C>T (p.Leu610Phe)

Gene: MEN1 (menin 1; minus strand). Cytogenetic location: 11q13.1.
Variant type: single nucleotide variant.
Coding change: c.1828C>T on transcript NM_001370259.2 (MANE Select); coding-DNA position 1828, C replaced by T.
Protein change: p.Leu610Phe; replaces leucine 610 with phenylalanine.
Molecular consequence: missense variant.
Genome position (GRCh38, 1-based): chr11:64,804,339, G>A on the plus strand (C>T on the coding strand, the complement: MEN1 is on the minus strand). VCF-style: chr11-64804339-G-A. GRCh37 (hg19) VCF-style: chr11-64571811-G-A.
Other names: c.1843C>T, p.Leu615Phe (NM_000244.4, NM_130800.3, NM_130801.3 and 3 more transcripts); c.1954C>T, p.Leu652Phe (NM_001370251.2); c.1828C>T, p.Leu610Phe (NM_001370260.2, NM_001370261.2, NM_130799.3); c.1723C>T, p.Leu575Phe (NM_001370262.2, NM_001370263.2); short protein forms L575F, L610F, L615F, L652F.
Identifiers: ClinVar variation 1014223 (VCV001014223.12), dbSNP rs1941484511, ClinGen allele CA381177015.
Genomic context (GRCh38, chr11:64,804,339, plus strand): 5'-GGGGGACTAAGGGCGGAGCCTGGGTCCCCACAAGCGGTCCGAAGTCCCCAGTAGTTCAGA[G>A]GCCTTTGCGCTGCCGCTTGAGGAAAGACAGAGTGTAGTCACTAGGGGTGGACACTTTCTG-3'
Protein context (NP_001357188.2, residues 600-610): LSFLKRQRKG[Leu610Phe]